The following is an entry in ClinVar:

NM_006565.4(CTCF):c.1553C>A (p.Thr518Asn)

Gene: CTCF (CCCTC-binding factor; plus strand). Cytogenetic location: 16q22.1.
Variant type: single nucleotide variant.
Coding change: c.1553C>A on transcript NM_006565.4 (MANE Select); coding-DNA position 1553, C replaced by A.
Protein change: p.Thr518Asn; replaces threonine 518 with asparagine.
Molecular consequence: missense variant.
Genome position (GRCh38, 1-based): chr16:67,628,404, C>A. VCF-style: chr16-67628404-C-A. GRCh37 (hg19) VCF-style: chr16-67662307-C-A.
Other names: c.569C>A, p.Thr190Asn (NM_001191022.2); c.1553C>A, p.Thr518Asn (NM_001363916.2, NM_001438968.1, NM_001438969.1); short protein forms T190N, T518N.
Identifiers: ClinVar variation 5037470 (VCV005037470.1).

ClinVar aggregate classification (germline): Uncertain significance (1 of 4 stars; one submission).

Submission:

GeneDx
Classification: Uncertain significance. Last evaluated: 2026-04-21. Review status: criteria provided, single submitter. Criteria: GeneDx Variant Classification Process June 2021. Collection method: clinical testing. Allele origin: germline.
Comment: Not observed at significant frequency in large population cohorts (gnomAD); In silico analysis supports that this missense variant has a deleterious effect on protein structure/function; Has not been previously published as pathogenic or benign to our knowledge.